The following is an entry in ClinVar:

ClinVar aggregate classification (germline): Uncertain significance (1 of 4 stars; one submission).

Conditions:
CHARGE syndrome (CHARGE). Also called: Hittner Hirsch Kreh syndrome; CHARGE ASSOCIATION--COLOBOMA, HEART ANOMALY, CHOANAL ATRESIA, RETARDATION, GENITAL AND EAR ANOMALIES; Coloboma, heart anomaly, choanal atresia, retardation, genital and ear anomalies; CHARGE association; Hall-Hittner syndrome. Identifiers: Orphanet 138, MedGen C0265354, MONDO:0008965.

Submission:

Labcorp Genetics (formerly Invitae), Labcorp
Classification: Uncertain significance for CHARGE syndrome. Last evaluated: 2024-11-27. Review status: criteria provided, single submitter. Criteria: Invitae Variant Classification Sherloc (09022015). Collection method: clinical testing. Allele origin: germline.
Comment: This sequence change replaces proline, which is neutral and non-polar, with histidine, which is basic and polar, at codon 697 of the SEMA3E protein (p.Pro697His). This variant is not present in population databases (gnomAD no frequency). This variant has not been reported in the literature in individuals affected with SEMA3E-related conditions. An algorithm developed to predict the effect of missense changes on protein structure and function (PolyPhen-2) suggests that this variant is likely to be tolerated. In summary, the available evidence is currently insufficient to determine the role of this variant in disease. Therefore, it has been classified as a Variant of Uncertain Significance.

NM_012431.3(SEMA3E):c.2090C>A (p.Pro697His)

Gene: SEMA3E (semaphorin 3E; minus strand). Cytogenetic location: 7q21.11.
Variant type: single nucleotide variant.
Coding change: c.2090C>A on transcript NM_012431.3 (MANE Select); coding-DNA position 2090, C replaced by A.
Protein change: p.Pro697His; replaces proline 697 with histidine.
Molecular consequence: missense variant.
Genome position (GRCh38, 1-based): chr7:83,367,824, G>T on the plus strand (C>A on the coding strand, the complement: SEMA3E is on the minus strand). VCF-style: chr7-83367824-G-T. GRCh37 (hg19) VCF-style: chr7-82997140-G-T.
Other names: c.1910C>A, p.Pro637His (NM_001178129.2); short protein forms P637H, P697H.
Identifiers: ClinVar variation 3726223 (VCV003726223.2).